The following is an entry in ClinVar:

NM_006282.5(STK4):c.117-3081C>T

Gene: STK4 (serine/threonine kinase 4; plus strand). Cytogenetic location: 20q13.12.
Variant type: single nucleotide variant.
Coding change: c.117-3081C>T on transcript NM_006282.5 (MANE Select); 3081 bases into the intron before coding-DNA position 117, C replaced by T.
Molecular consequence: intron variant. On other transcripts: non-coding transcript variant (1).
Genome position (GRCh38, 1-based): chr20:44,975,362, C>T. VCF-style: chr20-44975362-C-T. GRCh37 (hg19) VCF-style: chr20-43604003-C-T.
Other names: c.117-3081C>T (NM_001352385.2).
Identifiers: ClinVar variation 2688087 (VCV002688087.2), dbSNP rs6017452, ClinGen allele CA15964337.
Genomic context (GRCh38, chr20:44,975,362, plus strand): 5'-CACCCCCTATCCCTGCCTTCAGATTACTGTAGATGCAGTATATGGAATCAGGAATCTTAA[C>T]TTCATGTGAGCTATTGGAGTTTTCCTTGCTATCAGGATGCATAGGGAGGTATGAAGAGTG-3'

ClinVar aggregate classification (germline): Benign (1 of 4 stars; one submission).

Allele frequency attached by ClinVar (database versions not stated): gnomAD exomes 0.47670; 1000 Genomes Project 0.48862; 1000 Genomes Project 30x 0.49891; TOPMed 0.51626; gnomAD 0.52925.
gnomAD v4.1: 475,007 of 980,010 alleles (48%); highest among the groups gnomAD compares: African/African-American, 68%; 117,487 homozygotes.

Submission:

Unidad de Genómica Garrahan, Hospital de Pediatría Garrahan
Classification: Benign. Last evaluated: 2024-01-24. Review status: criteria provided, single submitter. Criteria: ACMG Guidelines, 2015. Collection method: clinical testing. Allele origin: germline. Affected: no. Observed: 53 variant alleles.
Comment: This variant is classified as Benign based on local population frequency. This variant was detected in 56% of patients studied by a panel of primary immunodeficiencies. Number of patients: 53. Only high quality variants are reported.